The following is an entry in ClinVar:

NM_001042492.3(NF1):c.827T>C (p.Leu276Ser)

Gene: NF1 (neurofibromin 1; plus strand). Cytogenetic location: 17q11.2.
Variant type: single nucleotide variant.
Coding change: c.827T>C on transcript NM_001042492.3 (MANE Select); coding-DNA position 827, T replaced by C.
Protein change: p.Leu276Ser; replaces leucine 276 with serine.
Molecular consequence: missense variant.
Genome position (GRCh38, 1-based): chr17:31,182,604, T>C. VCF-style: chr17-31182604-T-C. GRCh37 (hg19) VCF-style: chr17-29509622-T-C.
Other names: c.827T>C, p.Leu276Ser (NM_000267.4, NM_001128147.3); short protein forms L276S.
Identifiers: ClinVar variation 2754596 (VCV002754596.3), dbSNP rs2066158230, ClinGen allele CA398991014.
Genomic context (GRCh38, chr17:31,182,604, plus strand): 5'-TTGCTGAAAGCACCAAACGTAAAGCAGCAGTTTGGCCACTACAAATCATTCTCCTTATCT[T>C]GTGTCCAGAAATAATCCAGGATATATCCAAAGACGTGGTTGATGAAAACAACATGAATAA-3'
Protein context (NP_001035957.1, residues 266-286): VWPLQIILLI[Leu276Ser]CPEIIQDISK

ClinVar aggregate classification (germline): Uncertain significance (1 of 4 stars; one submission).

Conditions:
Neurofibromatosis, type 1 (NF1). Also called: VON RECKLINGHAUSEN DISEASE; NEUROFIBROMATOSIS, TYPE I, SOMATIC; Peripheral type neurofibromatosis; Neurofibromatosis, type I. Identifiers: Orphanet 636, MedGen C0027831, MONDO:0018975, OMIM 162200. Disease mechanism: loss of function.

Submission:

Labcorp Genetics (formerly Invitae), Labcorp
Classification: Uncertain significance for Neurofibromatosis, type 1. Last evaluated: 2023-08-23. Review status: criteria provided, single submitter. Criteria: Invitae Variant Classification Sherloc (09022015). Collection method: clinical testing. Allele origin: germline.
Comment: This sequence change replaces leucine, which is neutral and non-polar, with serine, which is neutral and polar, at codon 276 of the NF1 protein (p.Leu276Ser). This variant is not present in population databases (gnomAD no frequency). This variant has not been reported in the literature in individuals affected with NF1-related conditions. Advanced modeling of protein sequence and biophysical properties (such as structural, functional, and spatial information, amino acid conservation, physicochemical variation, residue mobility, and thermodynamic stability) performed at Invitae indicates that this missense variant is expected to disrupt NF1 protein function. In summary, the available evidence is currently insufficient to determine the role of this variant in disease. Therefore, it has been classified as a Variant of Uncertain Significance.